The following is an entry in ClinVar:

ClinVar aggregate classification (germline): Likely pathogenic (1 of 4 stars; one submission).

Conditions:
CP-related disorder. Also called: CP-related condition.

Submission:

PreventionGenetics, part of Exact Sciences
Classification: Likely pathogenic for CP-related condition. Last evaluated: 2024-11-16. Review status: criteria provided, single submitter. Criteria: ACMG Guidelines, 2015. Collection method: clinical testing. Allele origin: germline.
Comment: The CP c.2570dupA variant is predicted to result in premature protein termination (p.Tyr857*). To our knowledge, this variant has not been reported in the literature or in a large population database (gnomAD), indicating this variant is rare. Nonsense variants in CP are expected to be pathogenic. This variant is interpreted as likely pathogenic.

NM_000096.4(CP):c.2570dup (p.Tyr857Ter)

Gene: CP (ceruloplasmin; minus strand). Cytogenetic location: 3q24.
Variant type: Duplication.
Coding change: c.2570dup on transcript NM_000096.4 (MANE Select); coding-DNA position 2570, one base duplicated (A; older notation c.2570dupA).
Protein change: p.Tyr857Ter; replaces tyrosine 857 with a stop codon.
Molecular consequence: nonsense. On other transcripts: non-coding transcript variant (1).
Genome position (GRCh38, 1-based): chr3:149,179,647, T duplicated on the plus strand (A on the coding strand, the reverse complement: CP is on the minus strand). VCF-style (leftmost placement, unchanged base first): chr3-149179646-G-GT. GRCh37 (hg19) VCF-style: chr3-148897433-G-GT.
Other names: short protein forms Y857*.
Identifiers: ClinVar variation 5001091 (VCV005001091.1).